The following is an entry in ClinVar:

NM_000465.4(BARD1):c.2006C>T (p.Pro669Leu)

Gene: BARD1 (BRCA1 associated RING domain 1; minus strand). Cytogenetic location: 2q35.
Variant type: single nucleotide variant.
Coding change: c.2006C>T on transcript NM_000465.4 (MANE Select); coding-DNA position 2006, C replaced by T.
Protein change: p.Pro669Leu; replaces proline 669 with leucine.
Molecular consequence: missense variant. On other transcripts: non-coding transcript variant (3).
Genome position (GRCh38, 1-based): chr2:214,729,004, G>A on the plus strand (C>T on the coding strand, the complement: BARD1 is on the minus strand). VCF-style: chr2-214729004-G-A. GRCh37 (hg19) VCF-style: chr2-215593728-G-A.
Other names: c.2006C>T (NM_000465.2); c.1949C>T, p.Pro650Leu (NM_001282543.2); c.653C>T, p.Pro218Leu (NM_001282545.2); c.596C>T, p.Pro199Leu (NM_001282548.2); c.467C>T, p.Pro156Leu (NM_001282549.2); short protein forms P650L, P669L, P218L, P156L, P199L.
Identifiers: ClinVar variation 1480747 (VCV001480747.10), dbSNP rs2105988052, ClinGen allele CA350450819.
Genomic context (GRCh38, chr2:214,729,004, plus strand): 5'-TCCTTTGGATGGTGTTTGAAGGTTCCCCACAAATAGAAGTAGCATCCATCAAACAGCTTT[G>A]GCAACTGAAATAATGAGAAAACATTTGTTAAAGGCAGATCAAAATACTGTATTCAAAAAC-3'
Protein context (NP_000456.2, residues 659-679): RSRLNREQLL[Pro669Leu]KLFDGCYFYL

ClinVar aggregate classification (germline): Uncertain significance. Review status: criteria provided, multiple submitters, no conflicts (2 of 4 stars). 2 submissions from 2 submitters: Uncertain significance (2). Last evaluated 2024-02-04.

Conditions:
Familial cancer of breast. Also called: hereditary breast carcinoma; Hereditary breast cancer; BREAST CANCER, FAMILIAL. Identifiers: Orphanet 227535, MedGen C0346153, MONDO:0016419, OMIM 114480. Disease mechanism: loss of function.
Hereditary cancer-predisposing syndrome. Also called: Tumor predisposition; Hereditary Cancer Syndrome; Hereditary neoplastic syndrome; Neoplastic Syndromes, Hereditary. Identifiers: Orphanet 140162, MedGen C0027672, MeSH D009386, MONDO:0015356.

Submissions (2):

Ambry Genetics
Classification: Uncertain significance for Hereditary cancer-predisposing syndrome. Last evaluated: 2024-02-04. Review status: criteria provided, single submitter. Criteria: Ambry Variant Classification Scheme 2023. Collection method: clinical testing. Allele origin: germline.
Comment: The p.P669L variant (also known as c.2006C>T), located in coding exon 11 of the BARD1 gene, results from a C to T substitution at nucleotide position 2006. The proline at codon 669 is replaced by leucine, an amino acid with similar properties. This amino acid position is conserved. In addition, this alteration is predicted to be deleterious by in silico analysis. Based on the available evidence, the clinical significance of this alteration remains unclear.

Labcorp Genetics (formerly Invitae), Labcorp
Classification: Uncertain significance for Familial cancer of breast. Last evaluated: 2021-03-25. Review status: criteria provided, single submitter. Criteria: Invitae Variant Classification Sherloc (09022015). Collection method: clinical testing. Allele origin: germline.
Comment: In summary, the available evidence is currently insufficient to determine the role of this variant in disease. Therefore, it has been classified as a Variant of Uncertain Significance. Algorithms developed to predict the effect of missense changes on protein structure and function (SIFT, PolyPhen-2, Align-GVGD) all suggest that this variant is likely to be disruptive, but these predictions have not been confirmed by published functional studies and their clinical significance is uncertain. This variant has not been reported in the literature in individuals with BARD1-related conditions. This variant is not present in population databases (ExAC no frequency). This sequence change replaces proline with leucine at codon 669 of the BARD1 protein (p.Pro669Leu). The proline residue is highly conserved and there is a moderate physicochemical difference between proline and leucine.